The following is an entry in ClinVar:

NM_033453.4(ITPA):c.422T>G (p.Val141Gly)

Gene: ITPA (inosine triphosphatase; plus strand). Cytogenetic location: 20p13.
Variant type: single nucleotide variant.
Coding change: c.422T>G on transcript NM_033453.4 (MANE Select); coding-DNA position 422, T replaced by G.
Protein change: p.Val141Gly; replaces valine 141 with glycine.
Molecular consequence: missense variant. On other transcripts: non-coding transcript variant (2), intron variant (1).
Genome position (GRCh38, 1-based): chr20:3,221,851, T>G. VCF-style: chr20-3221851-T-G. GRCh37 (hg19) VCF-style: chr20-3202497-T-G.
Other names: c.299T>G, p.Val100Gly (NM_001267623.2); c.85T>G, p.Trp29Gly (NM_001324236.2, NM_001324237.2, NM_001324238.2 and 1 more transcripts); c.371T>G, p.Val124Gly (NM_181493.4); c.411+3219T>G (NM_001324240.2); c.422T>G (NM_033453.2); short protein forms V100G, V124G, V141G, W29G.
Identifiers: ClinVar variation 937737 (VCV000937737.11), dbSNP rs745432420, ClinGen allele CA9741314.

ClinVar aggregate classification (germline): Uncertain significance. Review status: criteria provided, multiple submitters, no conflicts (2 of 4 stars). 2 submissions from 2 submitters: Uncertain significance (2). Last evaluated 2025-11-20.

Conditions:
Inborn genetic diseases. Identifiers: MedGen C0950123, MeSH D030342.
Inosine triphosphatase deficiency. Also called: INOSINE TRIPHOSPHATE PYROPHOSPHOHYDROLASE DEFICIENCY. Identifiers: MedGen C0342800, MONDO:0013461, OMIM 613850.

Allele frequency attached by ClinVar (database versions not stated): ExAC 0.00001; gnomAD 0.00001; TOPMed 0.00001; gnomAD exomes 0.00002.

Submissions (2):

Ambry Genetics
Classification: Uncertain significance for Inborn genetic diseases. Last evaluated: 2025-11-20. Review status: criteria provided, single submitter. Criteria: Ambry Variant Classification Scheme 2023. Collection method: clinical testing. Allele origin: germline.

Labcorp Genetics (formerly Invitae), Labcorp
Classification: Uncertain significance for Inosine triphosphatase deficiency. Last evaluated: 2024-10-22. Review status: criteria provided, single submitter. Criteria: Invitae Variant Classification Sherloc (09022015). Collection method: clinical testing. Allele origin: germline.
Comment: This sequence change replaces valine, which is neutral and non-polar, with glycine, which is neutral and non-polar, at codon 141 of the ITPA protein (p.Val141Gly). This variant is not present in population databases (gnomAD no frequency). This variant has not been reported in the literature in individuals affected with ITPA-related conditions. ClinVar contains an entry for this variant (Variation ID: 937737). An algorithm developed to predict the effect of missense changes on protein structure and function (PolyPhen-2) suggests that this variant is likely to be disruptive. In summary, the available evidence is currently insufficient to determine the role of this variant in disease. Therefore, it has been classified as a Variant of Uncertain Significance.